The following is an entry in ClinVar:

ClinVar aggregate classification (germline): Benign. Review status: criteria provided, multiple submitters, no conflicts (2 of 4 stars). 2 submissions from 2 submitters: Benign (2). Last evaluated 2024-07-30.

Conditions:
Palmoplantar keratoderma-esophageal carcinoma syndrome (TOC). Also called: KERATOSIS PALMARIS ET PLANTARIS WITH ESOPHAGEAL CANCER; PALMOPLANTAR KERATODERMA WITH ESOPHAGEAL CANCER; Tylosis with Esophageal Cancer. Identifiers: Orphanet 2198, MedGen C1835664, MONDO:0007856, OMIM 148500.

Allele frequency attached by ClinVar (database versions not stated): gnomAD exomes 0.00003 and 0.00011; TOPMed 0.00003; gnomAD 0.00005 and 0.00008; ExAC 0.00008; 1000 Genomes Project 30x 0.00062; 1000 Genomes Project 0.00080.
gnomAD v4.1: 51 of 1,613,326 alleles (0.0032%); highest among the groups gnomAD compares: East Asian, 0.1%; no homozygotes.

Submissions (2):

Labcorp Genetics (formerly Invitae), Labcorp
Classification: Benign. Last evaluated: 2024-07-30. Review status: criteria provided, single submitter. Criteria: Invitae Variant Classification Sherloc (09022015). Collection method: clinical testing. Allele origin: germline.

Illumina Laboratory Services, Illumina
Classification: Benign for Palmoplantar keratoderma-esophageal carcinoma syndrome. Last evaluated: 2018-01-12. Review status: criteria provided, single submitter. Criteria: ICSL Variant Classification Criteria 13 December 2019. Collection method: clinical testing. Allele origin: germline.
Comment: This variant was observed in the ICSL laboratory as part of a predisposition screen in an ostensibly healthy population. It had not been previously curated by ICSL or reported in the Human Gene Mutation Database (HGMD: prior to June 1st, 2018), and was therefore a candidate for classification through an automated scoring system. Utilizing variant allele frequency, disease prevalence and penetrance estimates, and inheritance mode, an automated score was calculated to assess if this variant is too frequent to cause the disease. Based on the score and internal cut-off values, a variant classified as benign is not then subjected to further curation. The score for this variant resulted in a classification of benign for this disease.

NM_001005498.4(RHBDF2):c.1908T>C (p.Ala636=)

Gene: RHBDF2 (rhomboid 5 homolog 2; minus strand). Cytogenetic location: 17q25.1.
Variant type: single nucleotide variant.
Coding change: c.1908T>C on transcript NM_001005498.4 (MANE Select); coding-DNA position 1908, T replaced by C.
Protein change: p.Ala636=; no amino-acid change (alanine 636 retained).
Molecular consequence: synonymous variant. On other transcripts: non-coding transcript variant (3).
Genome position (GRCh38, 1-based): chr17:76,473,007, A>G on the plus strand (T>C on the coding strand, the complement: RHBDF2 is on the minus strand). VCF-style: chr17-76473007-A-G. GRCh37 (hg19) VCF-style: chr17-74469089-A-G.
Other names: c.1908T>C, p.Ala636= (NM_001376228.1, NM_001376229.1, NM_001376230.1); c.1995T>C, p.Ala665= (NM_024599.5).
Identifiers: ClinVar variation 888696 (VCV000888696.6), dbSNP rs529460959, ClinGen allele CA8786816.